The following is an entry in ClinVar:

NM_005356.5(LCK):c.551G>A (p.Arg184His)

Gene: LCK (LCK proto-oncogene, Src family tyrosine kinase; plus strand). Cytogenetic location: 1p35.2.
Variant type: single nucleotide variant.
Coding change: c.551G>A on transcript NM_005356.5 (MANE Select); coding-DNA position 551, G replaced by A.
Protein change: p.Arg184His; replaces arginine 184 with histidine.
Molecular consequence: missense variant.
Genome position (GRCh38, 1-based): chr1:32,275,983, G>A. VCF-style: chr1-32275983-G-A. GRCh37 (hg19) VCF-style: chr1-32741584-G-A.
Other names: c.551G>A, p.Arg184His (NM_001042771.3, NM_001330468.2); short protein forms R184H.
Identifiers: ClinVar variation 1505230 (VCV001505230.8), dbSNP rs777578035, ClinGen allele CA20231739.
Genomic context (GRCh38, chr1:32,275,983, plus strand): 5'-CACTGTCGGTCCGGGACTTCGACCAGAACCAGGGAGAGGTGGTGAAACATTACAAGATCC[G>A]TAATCTGGACAACGGTGGCTTCTACATCTCCCCTCGAATCACTTTTCCCGGCCTGCATGA-3'
Protein context (NP_005347.3, residues 174-194): QGEVVKHYKI[Arg184His]NLDNGGFYIS

ClinVar aggregate classification (germline): Uncertain significance (1 of 4 stars; one submission).

Conditions:
Severe combined immunodeficiency due to LCK deficiency. Also called: Immunodeficiency 22. Identifiers: Orphanet 280142, MedGen C4014233, MONDO:0014334, OMIM 615758.

Allele frequency attached by ClinVar (database versions not stated): gnomAD 0.00001; gnomAD exomes 0.00001; TOPMed 0.00002.
gnomAD v4.1: 9 of 1,614,036 alleles (0.00056%); highest among the groups gnomAD compares: Admixed American, 0.005%; no homozygotes.

Submission:

Labcorp Genetics (formerly Invitae), Labcorp
Classification: Uncertain significance for Severe combined immunodeficiency due to LCK deficiency. Last evaluated: 2022-06-13. Review status: criteria provided, single submitter. Criteria: Invitae Variant Classification Sherloc (09022015). Collection method: clinical testing. Allele origin: germline.
Comment: Algorithms developed to predict the effect of missense changes on protein structure and function (SIFT, PolyPhen-2, Align-GVGD) all suggest that this variant is likely to be disruptive. This variant has not been reported in the literature in individuals affected with LCK-related conditions. This variant is present in population databases (rs777578035, gnomAD 0.003%). This sequence change replaces arginine, which is basic and polar, with histidine, which is basic and polar, at codon 184 of the LCK protein (p.Arg184His). In summary, the available evidence is currently insufficient to determine the role of this variant in disease. Therefore, it has been classified as a Variant of Uncertain Significance.